The following is an entry in ClinVar:

ClinVar aggregate classification (germline): Uncertain significance (1 of 4 stars; one submission).

Conditions:
Leber congenital amaurosis 1 (LCA1). Also called: AMAUROSIS CONGENITA OF LEBER I; RETINAL BLINDNESS, CONGENITAL; Congenital absence of the rods and cones; Leber's congenital tapetoretinal degeneration; Leber's congenital tapetoretinal dysplasia. Identifiers: Orphanet 65, MedGen C2931258, MONDO:0008764, OMIM 204000.
Cone-rod dystrophy 6 (CORD6). Also called: RETINAL CONE DYSTROPHY 2; Cone dystrophy progressive. Identifiers: Orphanet 1872, MedGen C1866293, MONDO:0011143, OMIM 601777.

Submission:

Labcorp Genetics (formerly Invitae), Labcorp
Classification: Uncertain significance for Leber congenital amaurosis 1; Cone-rod dystrophy 6. Last evaluated: 2025-02-01. Review status: criteria provided, single submitter. Criteria: Invitae Variant Classification Sherloc (09022015). Collection method: clinical testing. Allele origin: germline.
Comment: This sequence change replaces cysteine, which is neutral and slightly polar, with arginine, which is basic and polar, at codon 391 of the GUCY2D protein (p.Cys391Arg). This variant is not present in population databases (gnomAD no frequency). This variant has not been reported in the literature in individuals affected with GUCY2D-related conditions. Invitae Evidence Modeling of protein sequence and biophysical properties (such as structural, functional, and spatial information, amino acid conservation, physicochemical variation, residue mobility, and thermodynamic stability) indicates that this missense variant is not expected to disrupt GUCY2D protein function with a negative predictive value of 80%. In summary, the available evidence is currently insufficient to determine the role of this variant in disease. Therefore, it has been classified as a Variant of Uncertain Significance.

NM_000180.4(GUCY2D):c.1171T>C (p.Cys391Arg)

Gene: GUCY2D (guanylate cyclase 2D, retinal; plus strand). Cytogenetic location: 17p13.1.
Variant type: single nucleotide variant.
Coding change: c.1171T>C on transcript NM_000180.4 (MANE Select); coding-DNA position 1171, T replaced by C.
Protein change: p.Cys391Arg; replaces cysteine 391 with arginine.
Molecular consequence: missense variant.
Genome position (GRCh38, 1-based): chr17:8,006,507, T>C. VCF-style: chr17-8006507-T-C. GRCh37 (hg19) VCF-style: chr17-7909825-T-C.
Other names: short protein forms C391R.
Identifiers: ClinVar variation 4782556 (VCV004782556.1).